The following is an entry in ClinVar:

NM_006231.4(POLE):c.4483G>A (p.Ala1495Thr)

Gene: POLE (DNA polymerase epsilon, catalytic subunit; minus strand). Cytogenetic location: 12q24.33.
Variant type: single nucleotide variant.
Coding change: c.4483G>A on transcript NM_006231.4 (MANE Select); coding-DNA position 4483, G replaced by A.
Protein change: p.Ala1495Thr; replaces alanine 1495 with threonine.
Molecular consequence: missense variant.
Genome position (GRCh38, 1-based): chr12:132,643,292, C>T on the plus strand (G>A on the coding strand, the complement: POLE is on the minus strand). VCF-style: chr12-132643292-C-T. GRCh37 (hg19) VCF-style: chr12-133219878-C-T.
Other names: short protein forms A1495T.
Identifiers: ClinVar variation 2115761 (VCV002115761.4), dbSNP rs2541889998, ClinGen allele CA387380651.

ClinVar aggregate classification (germline): Uncertain significance (1 of 4 stars; one submission).

Allele frequency attached by ClinVar (database versions not stated): gnomAD exomes below 0.00001.

Submission:

Labcorp Genetics (formerly Invitae), Labcorp
Classification: Uncertain significance. Last evaluated: 2023-08-18. Review status: criteria provided, single submitter. Criteria: Invitae Variant Classification Sherloc (09022015). Collection method: clinical testing. Allele origin: germline.
Comment: In summary, the available evidence is currently insufficient to determine the role of this variant in disease. Therefore, it has been classified as a Variant of Uncertain Significance. Advanced modeling of protein sequence and biophysical properties (such as structural, functional, and spatial information, amino acid conservation, physicochemical variation, residue mobility, and thermodynamic stability) performed at Invitae indicates that this missense variant is not expected to disrupt POLE protein function. ClinVar contains an entry for this variant (Variation ID: 2115761). This variant has not been reported in the literature in individuals affected with POLE-related conditions. This variant is not present in population databases (gnomAD no frequency). This sequence change replaces alanine, which is neutral and non-polar, with threonine, which is neutral and polar, at codon 1495 of the POLE protein (p.Ala1495Thr).